The following is an entry in ClinVar:

NM_005026.5(PIK3CD):c.259C>T (p.Arg87Trp)

Gene: PIK3CD (phosphatidylinositol-4,5-bisphosphate 3-kinase catalytic subunit delta; plus strand). Cytogenetic location: 1p36.22.
Variant type: single nucleotide variant.
Coding change: c.259C>T on transcript NM_005026.5 (MANE Select); coding-DNA position 259, C replaced by T.
Protein change: p.Arg87Trp; replaces arginine 87 with tryptophan.
Molecular consequence: missense variant.
Genome position (GRCh38, 1-based): chr1:9,715,658, C>T. VCF-style: chr1-9715658-C-T. GRCh37 (hg19) VCF-style: chr1-9775716-C-T.
Other names: c.259C>T, p.Arg87Trp (NM_001350234.2, NM_001350235.1); short protein forms R87W.
Identifiers: ClinVar variation 1013936 (VCV001013936.9), dbSNP rs768486795, ClinGen allele CA17773395.
Genomic context (GRCh38, chr1:9,715,658, plus strand): 5'-GCCTATGTGTTCACCTGCATCAACCAGACAGCGGAGCAGCAAGAGCTGGAGGACGAGCAA[C>T]GGCGTCTGTGTGACGTGCAGCCCTTCCTGCCCGTCCTGCGCCTGGTGGCCCGTGAGGGCG-3'
Protein context (NP_005017.3, residues 77-97): AEQQELEDEQ[Arg87Trp]RLCDVQPFLP

ClinVar aggregate classification (germline): Uncertain significance (1 of 4 stars; one submission).

Conditions:
Immunodeficiency 14 (IMD14A). Also called: ACTIVATED PI3K-DELTA SYNDROME 1; IMMUNODEFICIENCY 14A WITH LYMPHOPROLIFERATION, AUTOSOMAL DOMINANT; Activated PI3K Delta Syndrome Type 1 (APDS1); p110-DELTA-ACTIVATING MUTATION CAUSING SENESCENT T CELLS, LYMPHADENOPATHY, AND IMMUNODEFICIENCY. Identifiers: Orphanet 397596, Orphanet 693661, MedGen C5907821, MONDO:0014222, OMIM 615513.

Allele frequency attached by ClinVar (database versions not stated): gnomAD exomes below 0.00001; TOPMed below 0.00001; gnomAD 0.00001.

Submission:

Labcorp Genetics (formerly Invitae), Labcorp
Classification: Uncertain significance for Activated PI3K-delta syndrome. Last evaluated: 2024-10-07. Review status: criteria provided, single submitter. Criteria: Invitae Variant Classification Sherloc (09022015). Collection method: clinical testing. Allele origin: germline.
Comment: This sequence change replaces arginine, which is basic and polar, with tryptophan, which is neutral and slightly polar, at codon 87 of the PIK3CD protein (p.Arg87Trp). This variant is not present in population databases (gnomAD no frequency). This variant has not been reported in the literature in individuals affected with PIK3CD-related conditions. ClinVar contains an entry for this variant (Variation ID: 1013936). Invitae Evidence Modeling of protein sequence and biophysical properties (such as structural, functional, and spatial information, amino acid conservation, physicochemical variation, residue mobility, and thermodynamic stability) indicates that this missense variant is expected to disrupt PIK3CD protein function with a positive predictive value of 80%. In summary, the available evidence is currently insufficient to determine the role of this variant in disease. Therefore, it has been classified as a Variant of Uncertain Significance.